The following is an entry in ClinVar:

ClinVar aggregate classification (germline): Conflicting classifications of pathogenicity. Review status: criteria provided, conflicting classifications (1 of 4 stars). 3 submissions from 3 submitters: Uncertain significance (1); Likely benign (2). Last evaluated 2024-10-30.

Conditions:
Hereditary cancer-predisposing syndrome. Also called: Tumor predisposition; Hereditary Cancer Syndrome; Neoplastic Syndromes, Hereditary; Hereditary neoplastic syndrome. Identifiers: Orphanet 140162, MedGen C0027672, MeSH D009386, MONDO:0015356.
Ataxia-telangiectasia syndrome (AT). Also called: Cerebello-oculocutaneous telangiectasia; Immunodeficiency with ataxia telangiectasia; Ataxia-telangiectasia, complementation group D; AT, COMPLEMENTATION GROUP C; Ataxia-telangiectasia, complementation group E; LOUIS-BAR SYNDROME. Identifiers: Orphanet 100, MedGen C0004135, MONDO:0008840, OMIM 208900.

Allele frequency attached by ClinVar (database versions not stated): TOPMed 0.00001.
gnomAD v4.1: 1 of 1,613,660 alleles (0.000062%); highest among the groups gnomAD compares: Non-Finnish European, 0.000085%; no homozygotes.

Submissions (3):

Labcorp Genetics (formerly Invitae), Labcorp
Classification: Likely benign for Ataxia-telangiectasia syndrome. Last evaluated: 2024-10-30. Review status: criteria provided, single submitter. Criteria: Invitae Variant Classification Sherloc (09022015). Collection method: clinical testing. Allele origin: germline.

Color Diagnostics, LLC DBA Color Health
Classification: Uncertain significance for Hereditary cancer-predisposing syndrome. Last evaluated: 2021-07-29. Review status: criteria provided, single submitter. Criteria: ACMG Guidelines, 2015. Collection method: clinical testing. Allele origin: germline.
Comment: This variant causes an A to T nucleotide substitution at the +5 position of intron 8 of the ATM gene. Splice site prediction tools are inconclusive regarding the impact of this variant on RNA splicing. To our knowledge, functional studies have not been reported for this variant. This variant has not been reported in individuals affected with hereditary cancer in the literature. This variant has not been identified in the general population by the Genome Aggregation Database (gnomAD). The available evidence is insufficient to determine the role of this variant in disease conclusively. Therefore, this variant is classified as a Variant of Uncertain Significance.

Ambry Genetics
Classification: Likely benign for Hereditary cancer-predisposing syndrome. Last evaluated: 2019-12-19. Review status: criteria provided, single submitter. Criteria: Ambry Variant Classification Scheme 2023. Collection method: clinical testing. Allele origin: germline.

NM_000051.4(ATM):c.1065+5A>T

Gene: ATM (ATM serine/threonine kinase; plus strand). Cytogenetic location: 11q22.3.
Variant type: single nucleotide variant.
Coding change: c.1065+5A>T on transcript NM_000051.4 (MANE Select); 5 bases into the intron after coding-DNA position 1065, A replaced by T.
Molecular consequence: intron variant.
Genome position (GRCh38, 1-based): chr11:108,247,132, A>T. VCF-style: chr11-108247132-A-T. GRCh37 (hg19) VCF-style: chr11-108117859-A-T.
Other names: c.1065+5A>T (NM_001351834.2).
Identifiers: ClinVar variation 453351 (VCV000453351.13), dbSNP rs1204741025, ClinGen allele CA658656205.
Genomic context (GRCh38, chr11:108,247,132, plus strand): 5'-GTAATATTGCCGTCAAAGAAAATTTGATTGAATTGATGGCAGATATCTGTCACCAGGTAC[A>T]GTAAGTAGGTCATGTCACATTTAGAAATTTCCTGTTAATTTTTTTTTTAAACTGGGCATT-3'